The following is an entry in ClinVar:

ClinVar aggregate classification (germline): Benign. Review status: criteria provided, multiple submitters, no conflicts (2 of 4 stars). 2 submissions from 2 submitters: Benign (2). Last evaluated 2018-01-12.

Conditions:
Progressive myoclonic epilepsy. Also called: Progressive myoclonus epilepsy; Familial progressive myoclonic epilepsy; Myoclonus epilepsy; Myoclonic Epilepsies, Progressive. Identifiers: Orphanet 308, Orphanet 98261, MedGen C0751778, MONDO:0020074.

Allele frequency attached by ClinVar (database versions not stated): gnomAD 0.17712 and 0.17900; TOPMed 0.19359; 1000 Genomes Project 30x 0.24641; 1000 Genomes Project 0.24940.
gnomAD v4.1: 133,229 of 984,844 alleles (14%); highest among the groups gnomAD compares: East Asian, 37%; 10,176 homozygotes.

Submissions (2):

Illumina Laboratory Services, Illumina
Classification: Benign for Progressive myoclonic epilepsy. Last evaluated: 2018-01-12. Review status: criteria provided, single submitter. Criteria: ICSL Variant Classification Criteria 13 December 2019. Collection method: clinical testing. Allele origin: germline.
Comment: This variant was observed in the ICSL laboratory as part of a predisposition screen in an ostensibly healthy population. It had not been previously curated by ICSL or reported in the Human Gene Mutation Database (HGMD: prior to June 1st, 2018), and was therefore a candidate for classification through an automated scoring system. Utilizing variant allele frequency, disease prevalence and penetrance estimates, and inheritance mode, an automated score was calculated to assess if this variant is too frequent to cause the disease. Based on the score and internal cut-off values, a variant classified as benign is not then subjected to further curation. The score for this variant resulted in a classification of benign for this disease.

Breakthrough Genomics
Classification: Benign. Review status: criteria provided, single submitter. Criteria: ACMG Guidelines, 2015. Collection method: not provided. Allele origin: germline. Inheritance: Unknown mechanism. Affected: yes.

NM_198859.4(PRICKLE2):c.-557C>T

Genes: PRICKLE2 (prickle planar cell polarity protein 2; minus strand), LOC122965327 (Sharpr-MPRA regulatory region 502; plus strand). Cytogenetic location: 3p14.1.
Variant type: single nucleotide variant.
Coding change: c.-557C>T on transcript NM_198859.4 (MANE Select); 557 bases upstream of the start codon, C replaced by T.
Molecular consequence: 5 prime UTR variant. On other transcripts: intron variant (1).
Genome position (GRCh38, 1-based): chr3:64,225,426, G>A on the plus strand (C>T on the coding strand, the complement: PRICKLE2 is on the minus strand). VCF-style: chr3-64225426-G-A. GRCh37 (hg19) VCF-style: chr3-64211102-G-A.
Other names: c.-40-26459C>T (NM_001370528.1).
Identifiers: ClinVar variation 346490 (VCV000346490.6), dbSNP rs697287, ClinGen allele CA10617335.